The following is an entry in ClinVar:

ClinVar aggregate classification (germline): Likely benign (0 of 4 stars; one submission).

Conditions:
TNK1-related disorder. Also called: TNK1-related condition.

Allele frequency attached by ClinVar (database versions not stated): 1000 Genomes Project 0.00300; 1000 Genomes Project 30x 0.00359; ESP Exome Variant Server 0.00655.
gnomAD v4.1: 12,749 of 1,585,470 alleles (0.8%); highest among the groups gnomAD compares: Middle Eastern, 2.6%; 82 homozygotes.

Submission:

PreventionGenetics, part of Exact Sciences
Classification: Likely benign for TNK1-related condition. Last evaluated: 2019-02-21. Review status: no assertion criteria provided. Collection method: clinical testing. Allele origin: germline.
Comment: This variant is classified as likely benign based on ACMG/AMP sequence variant interpretation guidelines (Richards et al. 2015 PMID: 25741868, with internal and published modifications).

NM_003985.6(TNK1):c.896C>A (p.Ala299Asp)

Gene: TNK1 (tyrosine kinase non receptor 1; plus strand). Cytogenetic location: 17p13.1.
Variant type: single nucleotide variant.
Coding change: c.896C>A on transcript NM_003985.6 (MANE Select); coding-DNA position 896, C replaced by A.
Protein change: p.Ala299Asp; replaces alanine 299 with aspartic acid.
Molecular consequence: missense variant.
Genome position (GRCh38, 1-based): chr17:7,384,513, C>A. VCF-style: chr17-7384513-C-A. GRCh37 (hg19) VCF-style: chr17-7287832-C-A.
Other names: c.896C>A, p.Ala299Asp (NM_001251902.3); short protein forms A299D.
Identifiers: ClinVar variation 3056603 (VCV003056603.2), dbSNP rs61730812, ClinGen allele CA8345050.
Genomic context (GRCh38, chr17:7,384,513, plus strand): 5'-CCGCCCCTTTCAGCTCCACTTCCTTCGGCAGGTGTGCCCCAGAGAGCCTGCGCCACGGAG[C>A]CTTCTCGTCTGCCTCGGACGTGTGGATGTTTGGGGTGACGCTGTGGGAGATGTTCTCCGG-3'
Protein context (NP_003976.2, residues 289-309): WCAPESLRHG[Ala299Asp]FSSASDVWMF